The following is an entry in ClinVar:

NM_001080432.3(FTO):c.1239+11682_1239+11684del

Gene: FTO (FTO alpha-ketoglutarate dependent dioxygenase; plus strand). Cytogenetic location: 16q12.2.
Variant type: Deletion.
Coding change: c.1239+11682_1239+11684del on transcript NM_001080432.3 (MANE Select); bases 11682 to 11684 of the intron after coding-DNA position 1239, 3 bases deleted (TTT; older notation c.1239+11682_1239+11684delTTT).
Molecular consequence: intron variant.
Genome position (GRCh38, 1-based): chr16:53,900,633-53,900,635, TTT deleted; deleting any 3 consecutive bases within chr16:53,900,609-53,900,635 gives the same sequence; the c. name uses the placement nearest the transcript's 3' end. VCF-style (leftmost placement, unchanged base first): chr16-53900608-CTTT-C. GRCh37 (hg19) VCF-style: chr16-53934520-CTTT-C.
Other names: c.726+11682_726+11684del (NM_001363905.2); c.1269+11682_1269+11684del (NM_001363891.2); c.1125+11682_1125+11684del (NM_001363898.2, NM_001363899.2); c.1240-7_1240-5del (NM_001363894.2); c.1239+11682_1239+11684del (NM_001363988.2, NM_001363896.2, NM_001363903.2 and 3 more transcripts); c.1095+11682_1095+11684del (NM_001363900.2, NM_001363901.2); c.1161+11682_1161+11684del (NM_001363897.2); c.1240-7_1240-5delTTT (NM_001363894.1).
Identifiers: ClinVar variation 3034060 (VCV003034060.2), dbSNP rs752080961, ClinGen allele CA281972612.
Genomic context (GRCh38, chr16:53,900,608, plus strand): 5'-AATATAGTGACATCAGAAGTGCTCTTTCTTCATCCCAGTCATTTAATCATTCATCTGCTC[CTTT>C]TTTTTTTTTTTTTTTTTTTTTTTTGCAGATAAGTGTGGAGTTATACAAAGAGCTAGGACT-3'

ClinVar aggregate classification (germline): Likely benign (0 of 4 stars; one submission).

Conditions:
FTO-related disorder. Also called: FTO-related condition.

Submission:

PreventionGenetics, part of Exact Sciences
Classification: Likely benign for FTO-related condition. Last evaluated: 2022-06-07. Review status: no assertion criteria provided. Collection method: clinical testing. Allele origin: germline.
Comment: This variant is classified as likely benign based on ACMG/AMP sequence variant interpretation guidelines (Richards et al. 2015 PMID: 25741868, with internal and published modifications).